The following is an entry in ClinVar:

NM_001012710.2(KRTAP5-10):c.540T>C (p.Ser180=)

Gene: KRTAP5-10 (keratin associated protein 5-10; plus strand). Cytogenetic location: 11q13.4.
Variant type: single nucleotide variant.
Coding change: c.540T>C on transcript NM_001012710.2 (MANE Select); coding-DNA position 540, T replaced by C.
Protein change: p.Ser180=; no amino-acid change (serine 180 retained).
Molecular consequence: synonymous variant.
Genome position (GRCh38, 1-based): chr11:71,566,127, T>C. VCF-style: chr11-71566127-T-C. GRCh37 (hg19) VCF-style: chr11-71277173-T-C.
Identifiers: ClinVar variation 4823192 (VCV004823192.4).
Genomic context (GRCh38, chr11:71,566,127, plus strand): 5'-CAGCTGCTGCAATCCCTGCTGCTGCCAGTCCAGCTGCTGTGTCCCCGTGTGCTGCCAGTC[T>C]AGCTGCTGCAAGCCCTGCTGCTGTCAGTCCAGCTGCTGTGTCCCCGTGTGCTGCCAGTGT-3'
Protein context (NP_001012728.1, residues 170-190): SSCCVPVCCQ[Ser180=]SCCKPCCCQS

ClinVar aggregate classification (germline): Likely benign (1 of 4 stars; one submission).

Submission:

CeGaT Center for Human Genetics Tuebingen
Classification: Likely benign. Last evaluated: 2026-02-01. Review status: criteria provided, single submitter. Criteria: CeGaT Center For Human Genetics Tuebingen Variant Classification Criteria Version 2. Collection method: clinical testing. Allele origin: germline. Affected: yes. Observed: 1 variant allele.
Comment: KRTAP5-10: BP4, BP7